The following is an entry in ClinVar:

NM_001298.3(CNGA3):c.485A>T (p.Asp162Val)

Gene: CNGA3 (cyclic nucleotide gated channel subunit alpha 3; plus strand). Cytogenetic location: 2q11.2.
Variant type: single nucleotide variant.
Coding change: c.485A>T on transcript NM_001298.3 (MANE Select); coding-DNA position 485, A replaced by T.
Protein change: p.Asp162Val; replaces aspartic acid 162 with valine.
Molecular consequence: missense variant.
Genome position (GRCh38, 1-based): chr2:98,389,693, A>T. VCF-style: chr2-98389693-A-T. GRCh37 (hg19) VCF-style: chr2-99006156-A-T.
Other names: c.431A>T, p.Asp144Val (NM_001079878.2); c.485A>T (NM_001298.2); short protein forms D144V, D162V.
Identifiers: ClinVar variation 1458185 (VCV001458185.12), dbSNP rs747447519, ClinGen allele CA1793775.

ClinVar aggregate classification (germline): Pathogenic/Likely pathogenic. Review status: criteria provided, multiple submitters, no conflicts (2 of 4 stars). 8 submissions from 8 submitters: Pathogenic (5); Likely pathogenic (2). 1 of the submissions does not count toward it. Last evaluated 2024-11-22.

Conditions:
CNGA3-related disorder. Also called: CNGA3-related condition.
Achromatopsia 2 (ACHM2). Also called: COLORBLINDNESS, TOTAL; ROD MONOCHROMACY 2; ROD MONOCHROMATISM 2. Identifiers: Orphanet 49382, MedGen C1857618, MONDO:0009003, OMIM 216900.
CNGA3-related disorders.
Retinal dystrophy. Also called: Inherited retinal dystrophy. Identifiers: Orphanet 71862, MedGen C0854723, MeSH D058499, MONDO:0019118, HP:0000556.

Allele frequency attached by ClinVar (database versions not stated): TOPMed below 0.00001; gnomAD 0.00002; ExAC 0.00009; gnomAD exomes 0.00010.
gnomAD v4.1: 63 of 1,613,682 alleles (0.0039%); highest among the groups gnomAD compares: South Asian, 0.059%; 1 homozygote.

Submissions (8):

Women's Health and Genetics/Laboratory Corporation of America, LabCorp
Classification: Pathogenic for Achromatopsia 2. Last evaluated: 2024-11-22. Review status: criteria provided, single submitter. Criteria: LabCorp Variant Classification Summary - May 2015. Collection method: clinical testing. Allele origin: germline.
Comment: Variant summary: CNGA3 c.485A>T (p.Asp162Val) results in a non-conservative amino acid change in the encoded protein sequence. Five of five in-silico tools predict a damaging effect of the variant on protein function. The variant allele was found at a frequency of 9.5e-05 in 251488 control chromosomes in the gnomAD database, including 1 homozygote. This frequency is not higher than the estimated maximum for a pathogenic variant in CNGA3 causing Achromatopsia 2, in addition a recent study identified several individuals in gnomAD who are homozygous for variants causing autosomal recessive (AR) inherited retinal diseases (IRDs), predicting that the gnomAD database includes individuals or a cohort of individuals affected by IRDs (Hanany_2020). The variant, c.485A>T, has been reported in the literature in multiple compound heterozygous- and homozygous individuals affected with Achromatopsia 2 (e.g. Wissinger_2001, Sundaram_2013, Thiadens_2010, Lin_2024). These data indicate that the variant is likely to be associated with disease. At least one publication reports experimental evidence evaluating an impact on protein function, and demonstrated that the variant abolished current activation by cGMP (Muraki-Oda_2007). The following publications have been ascertained in the context of this evaluation (PMID: 17693388, 11536077, 24148654, 19592100, 38219857, 31964843). ClinVar contains an entry for this variant (Variation ID: 1458185). Based on the evidence outlined above, the variant was classified as pathogenic.

Blueprint Genetics
Classification: Pathogenic for CNGA3-related disorders. Last evaluated: 2024-10-25. Review status: criteria provided, single submitter. Criteria: ACMG Guidelines, 2015. Collection method: clinical testing. Allele origin: germline. Affected: yes. Observed: 5 variant alleles.

Genomic Medicine Center of Excellence, King Faisal Specialist Hospital and Research Centre
Classification: Likely pathogenic for Achromatopsia 2. Last evaluated: 2024-03-26. Review status: criteria provided, single submitter. Criteria: ACMG Guidelines, 2015. Collection method: clinical testing. Allele origin: germline.

Labcorp Genetics (formerly Invitae), Labcorp
Classification: Pathogenic. Last evaluated: 2023-10-31. Review status: criteria provided, single submitter. Criteria: Invitae Variant Classification Sherloc (09022015). Collection method: clinical testing. Allele origin: germline.
Comment: This sequence change replaces aspartic acid, which is acidic and polar, with valine, which is neutral and non-polar, at codon 162 of the CNGA3 protein (p.Asp162Val). This variant is present in population databases (rs747447519, gnomAD 0.07%). This missense change has been observed in individuals with achromatopsia and/or cone dysfunction syndrome (PMID: 11536077, 24148654, 28341476). ClinVar contains an entry for this variant (Variation ID: 1458185). Advanced modeling of protein sequence and biophysical properties (such as structural, functional, and spatial information, amino acid conservation, physicochemical variation, residue mobility, and thermodynamic stability) performed at Invitae indicates that this missense variant is expected to disrupt CNGA3 protein function with a positive predictive value of 95%. Experimental studies have shown that this missense change affects CNGA3 function (PMID: 17693388). For these reasons, this variant has been classified as Pathogenic.

Institute of Human Genetics, Univ. Regensburg, Univ. Regensburg
Classification: Pathogenic for Retinal dystrophy. Last evaluated: 2022-01-01. Review status: criteria provided, single submitter. Criteria: ACMG Guidelines, 2015. Collection method: clinical testing. Allele origin: germline. Affected: yes.

Neuberg Centre For Genomic Medicine, NCGM
Classification: Likely pathogenic for Achromatopsia 2. Review status: criteria provided, single submitter. Criteria: ACMG Guidelines, 2015. Collection method: clinical testing. Allele origin: germline. Inheritance: Autosomal recessive inheritance. Affected: yes.
Comment: The missense variant p.D162V in CNGA3 (NM_001298.3) has been previously reported in individuals with achromatopsia (PMID: 11536077, 24148654, 28341476) . There is a large physicochemical difference between aspartic acid and valine, which is likely to impact secondary protein structure as these residues differ in polarity, charge, size and/or other properties. The p.D162V missense variant is predicted to be damaging by both SIFT and PolyPhen2. The aspartic acid residue at codon 162 of CNGA3 is conserved in all mammalian species. The nucleotide c.485 in CNGA3 is predicted conserved by GERP++ and PhyloP across 100 vertebrates. For these reasons, this variant has been classified as Likely Pathogenic

Suma Genomics
Classification: Pathogenic for Achromatopsia 2. Review status: criteria provided, single submitter. Criteria: ACMG Guidelines, 2015. Collection method: clinical testing. Allele origin: germline. Inheritance: Autosomal recessive inheritance. Affected: yes. Observed: 1 variant allele, 1 compound heterozygote.
Comment: Biallelic loss-of-function variants in CNGA3 are associated with Achromatopsia 2 (MIM# 216900). ACMG Classification: Pathogenic Criteria met: PM2_Supporting: Extremely low frequency in gnomAD population databases PM3_Strong: For recessive disorders, detected in trans with a pathogenic variant, or in a homozygous or compound heterozygous state in affected cases PP1_Strong: co-segregation PP3_Moderate: For a missense or a splicing region variant, computational prediction tools unanimously support a deleterious effect on the gene PP4_Supporting: Patient's phenotype or family history is highly specific for a disease with a single genetic etiology

PreventionGenetics, part of Exact Sciences
Classification: Likely pathogenic for CNGA3-related condition. Last evaluated: 2024-09-19. Review status: no assertion criteria provided. Collection method: clinical testing. Allele origin: germline. Not counted in ClinVar's aggregate classification.
Comment: The CNGA3 c.485A>T variant is predicted to result in the amino acid substitution p.Asp162Val. This variant has been reported in the homozygous and compound heterozygous state in multiple individuals with achromatopsia (Wissinger et al. 2001. PubMed ID: 11536077; Sundaram et al. 2013. PubMed ID: 24148654; Table S5, Taylor et al. 2017. PubMed ID: 28341476; Table S1, Lin et al. 2024. PubMed ID: 38219857). This variant is reported in 0.075% of alleles in individuals of South Asian descent in gnomAD, including one homozygous individual. This variant is interpreted as likely pathogenic.

Literature cited by the submitters: PubMed 17693388 (cited by 3 submitters); PubMed 11536077 (cited by 3 submitters); PubMed 31964843 (cited by Women's Health and Genetics/Laboratory Corporation of America, LabCorp and Institute of Human Genetics, Univ. Regensburg, Univ. Regensburg); PubMed 19592100 (cited by Women's Health and Genetics/Laboratory Corporation of America, LabCorp); PubMed 38219857 (cited by Women's Health and Genetics/Laboratory Corporation of America, LabCorp); PubMed 24148654 (cited by 3 submitters); PubMed 28341476 (cited by Labcorp Genetics (formerly Invitae), Labcorp and Institute of Human Genetics, Univ. Regensburg, Univ. Regensburg); PubMed 33749171 (cited by Institute of Human Genetics, Univ. Regensburg, Univ. Regensburg).